The following is an entry in ClinVar:

NM_000548.5(TSC2):c.5422T>C (p.Ter1808Arg)

Gene: TSC2 (TSC complex subunit 2; plus strand). Cytogenetic location: 16p13.3.
Variant type: single nucleotide variant.
Coding change: c.5422T>C on transcript NM_000548.5 (MANE Select); coding-DNA position 5422, T replaced by C.
Protein change: p.Ter1808Arg.
Molecular consequence: stop lost.
Genome position (GRCh38, 1-based): chr16:2,088,608, T>C. VCF-style: chr16-2088608-T-C. GRCh37 (hg19) VCF-style: chr16-2138609-T-C.
Other names: c.3877T>C, p.Ter1293Arg (NM_001406695.1, NM_001406696.1, NM_001406697.1); c.3619T>C, p.Ter1207Arg (NM_001406698.1); c.5077T>C, p.Ter1693Arg (NM_001318829.2); c.4690T>C, p.Ter1564Arg (NM_001318831.2); c.5254T>C, p.Ter1752Arg (NM_001318832.2); c.5224T>C, p.Ter1742Arg (NM_001363528.2); c.5290T>C, p.Ter1764Arg (NM_001370404.1); c.5281T>C, p.Ter1761Arg (NM_001370405.1); and 27 more.
Identifiers: ClinVar variation 1747449 (VCV001747449.2), dbSNP rs1567135442, ClinGen allele CA394316330.
Genomic context (GRCh38, chr16:2,088,608, plus strand): 5'-TATGAGGTGGGCCAGCGGAAGCGCCTCATCTCCTCGGTGGAGGACTTCACCGAGTTTGTG[T>C]GAGGCCGGGGCCCTCCCTCCTGCACTGGCCTTGGACGGTATTGCCTGTCAGTGAAATAAA-3'

ClinVar aggregate classification (germline): Uncertain significance (1 of 4 stars; one submission).

Conditions:
Hereditary cancer-predisposing syndrome. Also called: Hereditary Cancer Syndrome; Neoplastic Syndromes, Hereditary; Tumor predisposition; Hereditary neoplastic syndrome. Identifiers: Orphanet 140162, MedGen C0027672, MeSH D009386, MONDO:0015356.

Submission:

Ambry Genetics
Classification: Uncertain significance for Hereditary cancer-predisposing syndrome. Last evaluated: 2022-10-25. Review status: criteria provided, single submitter. Criteria: Ambry Variant Classification Scheme 2023. Collection method: clinical testing. Allele origin: germline.
Comment: The c.5422T>C variant (also known as p.*1808Rext*19), located in coding exon 41 of the TSC2 gene, results from a T to C substitution at nucleotide position 5422. This alteration disrupts the stop codon of the TSC2 gene and is predicted to preserve the native sequence while resulting in the elongation of the protein by 19 amino acids. The exact functional effect of the additional amino acids is unknown. Since supporting evidence is limited at this time, the clinical significance of this alteration remains unclear.